The following is an entry in ClinVar:

NM_001330360.2(POLA1):c.1763A>G (p.His588Arg)

Gene: POLA1 (DNA polymerase alpha 1, catalytic subunit; plus strand). Cytogenetic location: Xp22.11.
Variant type: single nucleotide variant.
Coding change: c.1763A>G on transcript NM_001330360.2 (MANE Select); coding-DNA position 1763, A replaced by G.
Protein change: p.His588Arg; replaces histidine 588 with arginine.
Molecular consequence: missense variant. On other transcripts: non-coding transcript variant (2).
Genome position (GRCh38, 1-based): chrX:24,732,446, A>G. VCF-style: chrX-24732446-A-G. GRCh37 (hg19) VCF-style: chrX-24750563-A-G.
Other names: c.1745A>G (NM_016937.3); c.1688A>G, p.His563Arg (NM_001378303.1); c.1745A>G, p.His582Arg (NM_016937.4); short protein forms H588R, H563R, H582R.
Identifiers: ClinVar variation 1460590 (VCV001460590.9), dbSNP rs1190393160, ClinGen allele CA412534647.
Genomic context (GRCh38, chrX:24,732,446, plus strand): 5'-CTTTGGTCCATCACAGTTTTGCATTGGATAAAGCAGCCCCAAAGCCTCCCTTTCAGTCAC[A>G]CTTCTGTGGTATGTATTTTTTTTTAAGCTGGCTTACTAACAGCTTGATTTGAATTTCCTT-3'
Protein context (NP_001317289.1, residues 578-598): KAAPKPPFQS[His588Arg]FCVVSKPKDC

ClinVar aggregate classification (germline): Uncertain significance. Review status: criteria provided, multiple submitters, no conflicts (2 of 4 stars). 2 submissions from 2 submitters: Uncertain significance (2). Last evaluated 2023-03-29.

Conditions:
Inborn genetic diseases. Identifiers: MedGen C0950123, MeSH D030342.

Allele frequency attached by ClinVar (database versions not stated): gnomAD exomes 0.00001; gnomAD 0.00002; TOPMed 0.00002.
gnomAD v4.1: 4 of 1,151,136 alleles (0.00035%); highest among the groups gnomAD compares: East Asian, 0.009%; no homozygotes.

Submissions (2):

Ambry Genetics
Classification: Uncertain significance for Inborn genetic diseases. Last evaluated: 2023-03-29. Review status: criteria provided, single submitter. Criteria: Ambry Variant Classification Scheme 2023. Collection method: clinical testing. Allele origin: germline.

Labcorp Genetics (formerly Invitae), Labcorp
Classification: Uncertain significance. Last evaluated: 2022-09-07. Review status: criteria provided, single submitter. Criteria: Invitae Variant Classification Sherloc (09022015). Collection method: clinical testing. Allele origin: germline.
Comment: In summary, the available evidence is currently insufficient to determine the role of this variant in disease. Therefore, it has been classified as a Variant of Uncertain Significance. Algorithms developed to predict the effect of missense changes on protein structure and function are either unavailable or do not agree on the potential impact of this missense change (SIFT: "Deleterious"; PolyPhen-2: "Benign"; Align-GVGD: "Class C0"). ClinVar contains an entry for this variant (Variation ID: 1460590). This variant has not been reported in the literature in individuals affected with POLA1-related conditions. This variant is present in population databases (no rsID available, gnomAD 0.008%). This sequence change replaces histidine, which is basic and polar, with arginine, which is basic and polar, at codon 582 of the POLA1 protein (p.His582Arg).